The following is an entry in ClinVar:

ClinVar aggregate classification (germline): Benign/Likely benign. Review status: criteria provided, multiple submitters, no conflicts (2 of 4 stars). 4 submissions from 4 submitters: Benign (1); Likely benign (2). 1 of the submissions does not count toward it. Last evaluated 2019-12-31.

Conditions:
UPK3A-related disorder. Also called: UPK3A-related condition.
Renal hypodysplasia/aplasia 1 (RHDA1). Also called: HEREDITARY RENAL APLASIA; RENAL APLASIA. Identifiers: Orphanet 411709, MedGen C1619700, MONDO:0024519, OMIM 191830.

Allele frequency attached by ClinVar (database versions not stated): ESP Exome Variant Server 0.00392; TOPMed 0.00459; 1000 Genomes Project 30x 0.00328; 1000 Genomes Project 0.00339; gnomAD 0.00369.

Submissions (4):

Labcorp Genetics (formerly Invitae), Labcorp
Classification: Benign. Last evaluated: 2019-12-31. Review status: criteria provided, single submitter. Criteria: Invitae Variant Classification Sherloc (09022015). Collection method: clinical testing. Allele origin: germline.

Illumina Laboratory Services, Illumina
Classification: Likely benign for Renal hypodysplasia/aplasia 1. Last evaluated: 2018-01-13. Review status: criteria provided, single submitter. Criteria: ICSL Variant Classification Criteria 13 December 2019. Collection method: clinical testing. Allele origin: germline.
Comment: This variant was observed in the ICSL laboratory as part of a predisposition screen in an ostensibly healthy population. It had not been previously curated by ICSL or reported in the Human Gene Mutation Database (HGMD: prior to June 1st, 2018), and was therefore a candidate for classification through an automated scoring system. Utilizing variant allele frequency, disease prevalence and penetrance estimates, and inheritance mode, an automated score was calculated to assess if this variant is too frequent to cause the disease. Based on the score and internal cut-off values, a variant classified as likely benign is not then subjected to further curation. The score for this variant resulted in a classification of likely benign for this disease.

Breakthrough Genomics
Classification: Likely benign. Review status: criteria provided, single submitter. Criteria: ACMG Guidelines, 2015. Collection method: not provided. Allele origin: germline. Inheritance: Unknown mechanism. Affected: yes.

PreventionGenetics, part of Exact Sciences
Classification: Benign for UPK3A-related condition. Last evaluated: 2019-08-22. Review status: no assertion criteria provided. Collection method: clinical testing. Allele origin: germline. Not counted in ClinVar's aggregate classification.
Comment: This variant is classified as benign based on ACMG/AMP sequence variant interpretation guidelines (Richards et al. 2015 PMID: 25741868, with internal and published modifications).

NM_006953.4(UPK3A):c.356T>C (p.Ile119Thr)

Gene: UPK3A (uroplakin 3A; plus strand). Cytogenetic location: 22q13.31.
Variant type: single nucleotide variant.
Coding change: c.356T>C on transcript NM_006953.4 (MANE Select); coding-DNA position 356, T replaced by C.
Protein change: p.Ile119Thr; replaces isoleucine 119 with threonine.
Molecular consequence: missense variant. On other transcripts: intron variant (1).
Genome position (GRCh38, 1-based): chr22:45,287,319, T>C. VCF-style: chr22-45287319-T-C. GRCh37 (hg19) VCF-style: chr22-45683200-T-C.
Other names: c.208+1223T>C (NM_001167574.2); short protein forms I119T.
Identifiers: ClinVar variation 721168 (VCV000721168.12), dbSNP rs150598171, ClinGen allele CA10284355.